The following is an entry in ClinVar:

NC_000009.11:g.(?_271607)_(328191_?)del

Gene: DOCK8 (dedicator of cytokinesis 8; plus strand). Cytogenetic location: 9p24.3.
Variant type: Deletion.
Identifiers: ClinVar variation 1460425 (VCV001460425.10).

ClinVar aggregate classification (germline): Pathogenic (1 of 4 stars; one submission).

Conditions:
Hyper-IgE recurrent infection syndrome 3, autosomal recessive. Also called: Autosomal recessive hyper-IgE syndrome due to ZNF341 deficiency; HYPER-IgE SYNDROME 3, AUTOSOMAL RECESSIVE, WITH RECURRENT INFECTIONS. Identifiers: Orphanet 641368, MedGen C4748969, MONDO:0032654, OMIM 618282.

Submission:

Labcorp Genetics (formerly Invitae), Labcorp
Classification: Pathogenic for Combined immunodeficiency due to DOCK8 deficiency. Last evaluated: 2021-03-20. Review status: criteria provided, single submitter. Criteria: Invitae Variant Classification Sherloc (09022015). Collection method: clinical testing. Allele origin: germline.
Comment: For these reasons, this variant has been classified as Pathogenic. This variant has not been reported in the literature in individuals with DOCK8-related conditions. This variant is a gross deletion of the genomic region encompassing exon(s) 2-9 of the DOCK8 gene. This deletion is out-of-frame, and is expected to create a premature translational stop signal and result in an absent or disrupted protein product. Loss-of-function variants in DOCK8 are known to be pathogenic (PMID: 14722525, 19776401).

Literature cited by the submitters: PubMed 14722525; PubMed 19776401.